The following is an entry in ClinVar:

NM_080911.3(UNG):c.14A>G (p.Lys5Arg)

Gene: UNG (uracil DNA glycosylase; plus strand). Cytogenetic location: 12q24.11.
Variant type: single nucleotide variant.
Coding change: c.14A>G on transcript NM_080911.3 (MANE Select); coding-DNA position 14, A replaced by G.
Protein change: p.Lys5Arg; replaces lysine 5 with arginine.
Molecular consequence: missense variant.
Genome position (GRCh38, 1-based): chr12:109,097,693, A>G. VCF-style: chr12-109097693-A-G. GRCh37 (hg19) VCF-style: chr12-109535498-A-G.
Other names: short protein forms K5R.
Identifiers: ClinVar variation 1059502 (VCV001059502.9), dbSNP rs2135880926, ClinGen allele CA386468495.

ClinVar aggregate classification (germline): Uncertain significance (1 of 4 stars; one submission).

Conditions:
Hyper-IgM syndrome type 5 (HIGM5). Also called: Hyper-IgM Immunodeficiency Syndrome, Type 5. Identifiers: Orphanet 101092, MedGen C1720958, MONDO:0011971, OMIM 608106.

Submission:

Labcorp Genetics (formerly Invitae), Labcorp
Classification: Uncertain significance for Hyper-IgM syndrome type 5. Last evaluated: 2020-09-03. Review status: criteria provided, single submitter. Criteria: Invitae Variant Classification Sherloc (09022015). Collection method: clinical testing. Allele origin: germline.
Comment: In summary, the available evidence is currently insufficient to determine the role of this variant in disease. Therefore, it has been classified as a Variant of Uncertain Significance. Algorithms developed to predict the effect of missense changes on protein structure and function (SIFT, PolyPhen-2, Align-GVGD) all suggest that this variant is likely to be tolerated, but these predictions have not been confirmed by published functional studies and their clinical significance is uncertain. This variant has not been reported in the literature in individuals with UNG-related conditions. This variant is not present in population databases (ExAC no frequency). This sequence change replaces lysine with arginine at codon 5 of the UNG protein (p.Lys5Arg). The lysine residue is moderately conserved and there is a small physicochemical difference between lysine and arginine.